The following is an entry in ClinVar:

NM_000492.4(CFTR):c.3723C>T (p.Gly1241=)

Genes: CFTR (CF transmembrane conductance regulator; plus strand), CFTR-AS2 (CFTR antisense RNA 2; minus strand). Cytogenetic location: 7q31.2.
Variant type: single nucleotide variant.
Coding change: c.3723C>T on transcript NM_000492.4 (MANE Select); coding-DNA position 3723, C replaced by T.
Protein change: p.Gly1241=; no amino-acid change (glycine 1241 retained).
Molecular consequence: synonymous variant.
Genome position (GRCh38, 1-based): chr7:117,642,443, C>T. VCF-style: chr7-117642443-C-T. GRCh37 (hg19) VCF-style: chr7-117282497-C-T.
Identifiers: ClinVar variation 4997653 (VCV004997653.1).

ClinVar aggregate classification (germline): Likely benign (1 of 4 stars; one submission).

Conditions:
CFTR-related disorder (CFTR-RD). Also called: CFTR-related disorders; CFTR-related condition. Identifiers: MedGen C5924204, MONDO:7770004.

Submission:

PreventionGenetics, part of Exact Sciences
Classification: Likely benign for CFTR-related condition. Last evaluated: 2025-04-18. Review status: criteria provided, single submitter. Criteria: ACMG Guidelines, 2015. Collection method: clinical testing. Allele origin: germline.
Comment: This variant is classified as likely benign based on ACMG/AMP sequence variant interpretation guidelines (Richards et al. 2015 PMID: 25741868, with internal and published modifications).